The following is an entry in ClinVar:

ClinVar aggregate classification (germline): Pathogenic (1 of 4 stars; one submission).

Submission:

Labcorp Genetics (formerly Invitae), Labcorp
Classification: Pathogenic. Last evaluated: 2021-05-07. Review status: criteria provided, single submitter. Criteria: Invitae Variant Classification Sherloc (09022015). Collection method: clinical testing. Allele origin: germline.
Comment: For these reasons, this variant has been classified as Pathogenic. This variant has not been reported in the literature in individuals with LOXHD1-related conditions. This variant is not present in population databases (ExAC no frequency). This sequence change creates a premature translational stop signal (p.Trp1796Cysfs*23) in the LOXHD1 gene. It is expected to result in an absent or disrupted protein product. Loss-of-function variants in LOXHD1 are known to be pathogenic (PMID: 19732867, 21465660, 25792669).

Literature cited by the submitters: PubMed 19732867; PubMed 21465660; PubMed 25792669.

NM_001384474.1(LOXHD1):c.5574_5577del (p.Trp1858fs)

Gene: LOXHD1 (lipoxygenase homology PLAT domains 1; minus strand). Cytogenetic location: 18q21.1.
Variant type: Deletion.
Coding change: c.5574_5577del on transcript NM_001384474.1 (MANE Select); coding-DNA positions 5574 to 5577, 4 bases deleted (GCTG; older notation c.5574_5577delGCTG).
Protein change: p.Trp1858fs; shifts the reading frame from tryptophan 1858.
Molecular consequence: frameshift variant.
Genome position (GRCh38, 1-based): chr18:46,507,653-46,507,656, CAGC deleted on the plus strand (GCTG on the coding strand, the reverse complement: LOXHD1 is on the minus strand); deleting any 4 consecutive bases within chr18:46,507,653-46,507,659 gives the same sequence; the c. name uses the placement nearest the transcript's 3' end. VCF-style (leftmost placement, unchanged base first): chr18-46507652-ACAGC-A. GRCh37 (hg19) VCF-style: chr18-44087615-ACAGC-A.
Other names: c.2241_2244del, p.Trp747fs (NM_001145472.3); c.291_294del, p.Trp97fs (NM_001145473.3, NM_001173129.2); c.1953_1956del, p.Trp651fs (NM_001308013.2); c.5388_5391del, p.Trp1796fs (NM_144612.7); short protein forms W747fs, W1858fs, W651fs, W1796fs, W97fs.
Identifiers: ClinVar variation 1453947 (VCV001453947.6), dbSNP rs2143919227, ClinGen allele CA2573155276.
Genomic context (GRCh38, chr18:46,507,652, plus strand): 5'-CTTCCTCATCGATAACGGCACACATTTCACACACCAGGGTCTTCTTGCCCTTCCGCTGGG[ACAGC>A]CAGTCTCCATAGTAGAACATGGTCAGGTCTCCAGTGTTCATGTTCTTCAGTAGGATCTGG-3'